The following is an entry in ClinVar:

ClinVar aggregate classification (germline): Conflicting classifications of pathogenicity. Review status: criteria provided, conflicting classifications (1 of 4 stars). 2 submissions from 2 submitters: Uncertain significance (1); Likely benign (1). Last evaluated 2025-11-24.

Allele frequency attached by ClinVar (database versions not stated): gnomAD 0.00002; ExAC 0.00003; TOPMed 0.00003; gnomAD exomes 0.00004.
gnomAD v4.1: 51 of 1,209,364 alleles (0.0042%); highest among the groups gnomAD compares: Middle Eastern, 0.28%; no homozygotes.

Submissions (2):

Ambry Genetics
Classification: Uncertain significance. Last evaluated: 2025-11-24. Review status: criteria provided, single submitter. Criteria: Ambry Variant Classification Scheme 2023. Collection method: clinical testing. Allele origin: germline.

CeGaT Center for Human Genetics Tuebingen
Classification: Likely benign. Last evaluated: 2023-02-01. Review status: criteria provided, single submitter. Criteria: CeGaT Center For Human Genetics Tuebingen Variant Classification Criteria Version 2. Collection method: clinical testing. Allele origin: germline. Affected: yes. Observed: 1 variant allele.
Comment: STK26: BP4, BS2

NM_016542.4(STK26):c.1127A>G (p.Gln376Arg)

Gene: STK26 (serine/threonine kinase 26; plus strand). Cytogenetic location: Xq26.2.
Variant type: single nucleotide variant.
Coding change: c.1127A>G on transcript NM_016542.4 (MANE Select); coding-DNA position 1127, A replaced by G.
Protein change: p.Gln376Arg; replaces glutamine 376 with arginine.
Molecular consequence: missense variant.
Genome position (GRCh38, 1-based): chrX:132,072,994, A>G. VCF-style: chrX-132072994-A-G. GRCh37 (hg19) VCF-style: chrX-131207022-A-G.
Other names: c.941A>G, p.Gln314Arg (NM_001042452.2); c.896A>G, p.Gln299Arg (NM_001042453.2); short protein forms Q299R, Q314R, Q376R.
Identifiers: ClinVar variation 2455893 (VCV002455893.26), dbSNP rs759399972, ClinGen allele CA10518736.